The following is an entry in ClinVar:

ClinVar aggregate classification (germline): Uncertain significance (1 of 4 stars; one submission).

Allele frequency attached by ClinVar (database versions not stated): gnomAD exomes 0.00006; ExAC 0.00015.
gnomAD v4.1: 43 of 1,539,540 alleles (0.0028%); highest among the groups gnomAD compares: African/African-American, 0.0014%; no homozygotes.

Submissions (2):

Labcorp Genetics (formerly Invitae), Labcorp
Classification: Uncertain significance. Last evaluated: 2021-12-02. Review status: criteria provided, single submitter. Criteria: Invitae Variant Classification Sherloc (09022015). Collection method: clinical testing. Allele origin: germline.
Comment: This variant has not been reported in the literature in individuals affected with APOPT1-related conditions. In summary, the available evidence is currently insufficient to determine the role of this variant in disease. Therefore, it has been classified as a Variant of Uncertain Significance. Variants that disrupt the consensus splice site are a relatively common cause of aberrant splicing (PMID: 17576681, 9536098). Algorithms developed to predict the effect of sequence changes on RNA splicing suggest that this variant may disrupt the consensus splice site. The frequency data for this variant in the population databases is considered unreliable, as metrics indicate poor data quality at this position in the gnomAD database. This sequence change affects codon 54 of the APOPT1 mRNA. It is a 'silent' change, meaning that it does not change the encoded amino acid sequence of the APOPT1 protein. This variant also falls at the last nucleotide of exon 1, which is part of the consensus splice site for this exon.

Dr. Peter K. Rogan Lab, Western University
No classification provided (evidence only). Condition: Ovarian serous cystadenocarcinoma. Review status: no classification provided. Collection method: in vitro. Allele origin: not applicable. Functional consequence: retained intron. Not counted in ClinVar's aggregate classification.

Literature cited by the submitters: PubMed 17576681 (cited by Labcorp Genetics (formerly Invitae), Labcorp); PubMed 9536098 (cited by Labcorp Genetics (formerly Invitae), Labcorp).

NM_001370595.2(COA8):c.123G>A (p.Gly41=)

Gene: COA8 (cytochrome c oxidase assembly factor 8; plus strand). Cytogenetic location: 14q32.33.
Variant type: single nucleotide variant.
Coding change: c.123G>A on transcript NM_001370595.2 (MANE Select); coding-DNA position 123, G replaced by A.
Protein change: p.Gly41=; no amino-acid change (glycine 41 retained).
Molecular consequence: synonymous variant. On other transcripts: non-coding transcript variant (2).
Genome position (GRCh38, 1-based): chr14:103,563,124, G>A. VCF-style: chr14-103563124-G-A. GRCh37 (hg19) VCF-style: chr14-104029461-G-A.
Other names: c.123G>A, p.Gly41= (NM_001302653.2, NM_001302654.2).
Identifiers: ClinVar variation 1681859 (VCV001681859.7), dbSNP rs760697714, ClinGen allele CA7365423.